The following is an entry in ClinVar:

NC_000011.9:g.(67812570_67814899)_(67815440_67816345)del

Gene: TCIRG1 (T cell immune regulator 1, ATPase H+ transporting V0 subunit a3; plus strand). Cytogenetic location: 11q13.2.
Variant type: Deletion.
Identifiers: ClinVar variation 3629877 (VCV003629877.1).

ClinVar aggregate classification (germline): Pathogenic (1 of 4 stars; one submission).

Conditions:
Osteopetrosis. Identifiers: Orphanet 2781, MedGen C0029454, MONDO:0017198, HP:0011002.

Submission:

Women's Health and Genetics/Laboratory Corporation of America, LabCorp
Classification: Pathogenic for Osteopetrosis. Last evaluated: 2024-11-01. Review status: criteria provided, single submitter. Criteria: LabCorp Variant Classification Summary - May 2015. Collection method: clinical testing. Allele origin: germline.
Comment: Variant summary: The variant involves the deletion of exons 11-13 in the TCIRG1 gene. A presumed nomenclature of c.(1165+1_1166-1)_(1554+1_1555-1)del has been designated for the purposes of this classification. This Copy Number Variant (CNV) is expected to alter the reading frame and predicted to result in a truncation or absence of the encoded protein due to nonsense mediated decay (NMD). The variant was absent in 21694 control chromosomes (GnomAD SV database). c.(1165+1_1166-1)_(1554+1_1555-1)del has been reported in the literature in multiple individuals affected with Osteopetrosis (example, Gorukmez_2023, Pangrazio_2009). These data indicate that the variant is very likely to be associated with disease. To our knowledge, no experimental evidence demonstrating an impact on protein function has been reported. The following publications have been ascertained in the context of this evaluation (PMID: 36964972, 18715141). ClinVar has one entry for this variant (ClinVar ID 1449740). Based on the evidence outlined above, the variant was classified as pathogenic.

Literature cited by the submitters: PubMed 36964972; PubMed 18715141.